The following is an entry in ClinVar:

NM_002661.5(PLCG2):c.2654C>T (p.Pro885Leu)

Gene: PLCG2 (phospholipase C gamma 2; plus strand). Cytogenetic location: 16q23.3.
Variant type: single nucleotide variant.
Coding change: c.2654C>T on transcript NM_002661.5 (MANE Select); coding-DNA position 2654, C replaced by T.
Protein change: p.Pro885Leu; replaces proline 885 with leucine.
Molecular consequence: missense variant.
Genome position (GRCh38, 1-based): chr16:81,931,569, C>T. VCF-style: chr16-81931569-C-T. GRCh37 (hg19) VCF-style: chr16-81965174-C-T.
Other names: short protein forms P885L.
Identifiers: ClinVar variation 2196379 (VCV002196379.6), dbSNP rs199703276, ClinGen allele CA8194388.
Genomic context (GRCh38, chr16:81,931,569, plus strand): 5'-AGGGAAAAAACCAGAAGTCCTTTGTCTTCATCCTGGAGCCCAAGCAGCAGGGCGATCCTC[C>T]GGTGGAGTTTGCCACAGACAGGGTGGAGGAGCTCTTTGAGTGGTTTCAGAGCATCCGAGA-3'
Protein context (NP_002652.2, residues 875-895): ILEPKQQGDP[Pro885Leu]VEFATDRVEE

ClinVar aggregate classification (germline): Conflicting classifications of pathogenicity. Review status: criteria provided, conflicting classifications (1 of 4 stars). 3 submissions from 3 submitters: Uncertain significance (2); Likely benign (1). Last evaluated 2026-02-13.

Conditions:
Inborn genetic diseases. Identifiers: MedGen C0950123, MeSH D030342.
Familial cold autoinflammatory syndrome 3 (FCAS3). Also called: FAMILIAL ATYPICAL COLD URTICARIA; ANTIBODY DEFICIENCY AND IMMUNE DYSREGULATION, PLCG2-ASSOCIATED. Identifiers: Orphanet 300359, MedGen C3280914, MONDO:0013766, OMIM 614468.

Allele frequency attached by ClinVar (database versions not stated): gnomAD exomes 0.00002; TOPMed 0.00002; gnomAD 0.00003; ExAC 0.00007; 1000 Genomes Project 0.00040; 1000 Genomes Project 30x 0.00047.
gnomAD v4.1: 41 of 1,614,092 alleles (0.0025%); highest among the groups gnomAD compares: South Asian, 0.0088%; 1 homozygote.

Submissions (3):

Women's Health and Genetics/Laboratory Corporation of America, LabCorp
Classification: Likely benign. Last evaluated: 2026-02-13. Review status: criteria provided, single submitter. Criteria: LabCorp Variant Classification Summary - May 2015. Collection method: clinical testing. Allele origin: germline.
Comment: Variant summary: PLCG2 c.2654C>T (p.Pro885Leu) results in a non-conservative amino acid change in the encoded protein sequence. Algorithms developed to predict the effect of missense changes on protein structure and function are either unavailable or do not agree on the potential impact of this missense change. The variant allele was found at a frequency of 2.6e-05 in 1607120 control chromosomes in the gnomAD database, including 1 homozygote. The observed variant frequency exceeds the estimated maximal expected allele frequency for disease-causing variants in PLCG2. To our knowledge, no occurrence of c.2654C>T in individuals affected with PLCG2-related conditions and no experimental evidence demonstrating its impact on protein function have been reported. ClinVar contains an entry for this variant (Variation ID: 2196379). Based on the evidence outlined above, the variant was classified as likely benign.

Labcorp Genetics (formerly Invitae), Labcorp
Classification: Uncertain significance for Familial cold autoinflammatory syndrome 3. Last evaluated: 2024-06-10. Review status: criteria provided, single submitter. Criteria: Invitae Variant Classification Sherloc (09022015). Collection method: clinical testing. Allele origin: germline.
Comment: This sequence change replaces proline, which is neutral and non-polar, with leucine, which is neutral and non-polar, at codon 885 of the PLCG2 protein (p.Pro885Leu). This variant is present in population databases (rs199703276, gnomAD 0.01%). This variant has not been reported in the literature in individuals affected with PLCG2-related conditions. ClinVar contains an entry for this variant (Variation ID: 2196379). An algorithm developed to predict the effect of missense changes on protein structure and function (PolyPhen-2) suggests that this variant is likely to be tolerated. In summary, the available evidence is currently insufficient to determine the role of this variant in disease. Therefore, it has been classified as a Variant of Uncertain Significance.

Ambry Genetics
Classification: Uncertain significance for Inborn genetic diseases. Last evaluated: 2023-10-31. Review status: criteria provided, single submitter. Criteria: Ambry Variant Classification Scheme 2023. Collection method: clinical testing. Allele origin: germline.